The following is an entry in ClinVar:

ClinVar aggregate classification (germline): Pathogenic (1 of 4 stars; one submission).

Conditions:
Amelogenesis imperfecta type 1H. Also called: Amelogenesis imperfecta, type IH. Identifiers: Orphanet 88661, MedGen C4015557, MONDO:0014540, OMIM 616221.

Allele frequency attached by ClinVar (database versions not stated): gnomAD exomes below 0.00001; ExAC 0.00001; gnomAD 0.00001; 1000 Genomes Project 30x 0.00016; 1000 Genomes Project 0.00020.
gnomAD v4.1: 1 of 1,610,560 alleles (0.000062%); highest among the groups gnomAD compares: East Asian, 0.0022%; no homozygotes.

Submission:

Center of Excellence in Precision Medicine and Digital Health (CEPMDH), Faculty of Dentistry, Chulalongkorn University
Classification: Pathogenic for Amelogenesis imperfecta type 1H. Review status: criteria provided, single submitter. Criteria: ACMG Guidelines, 2015. Collection method: clinical testing. Allele origin: maternal, germline. Inheritance: Autosomal recessive inheritance. Affected: yes and no. Observed: 2 variant alleles, 1 heterozygote, 1 compound heterozygote.
Comment: A homozygous nonsense mutation in ITGB6 was previously reported in a patient with with hypoplastic amelogenesis imperfecta (Wang el al., 2014). This variant was classified as pathogenic by ACMG guidelines.

NM_000888.5(ITGB6):c.625G>T (p.Gly209Ter)

Gene: ITGB6 (integrin subunit beta 6; minus strand). Cytogenetic location: 2q24.2.
Variant type: single nucleotide variant.
Coding change: c.625G>T on transcript NM_000888.5 (MANE Select); coding-DNA position 625, G replaced by T.
Protein change: p.Gly209Ter; replaces glycine 209 with a stop codon.
Molecular consequence: nonsense.
Genome position (GRCh38, 1-based): chr2:160,174,108, C>A on the plus strand (G>T on the coding strand, the complement: ITGB6 is on the minus strand). VCF-style: chr2-160174108-C-A. GRCh37 (hg19) VCF-style: chr2-161030619-C-A.
Other names: c.625G>T, p.Gly209Ter (NM_001282353.2, NM_001282355.2); c.340G>T, p.Gly114Ter (NM_001282354.2); c.499G>T, p.Gly167Ter (NM_001282388.2); c.406G>T, p.Gly136Ter (NM_001282389.2); c.211G>T, p.Gly71Ter (NM_001282390.2); short protein forms G114*, G136*, G167*, G209*, G71*.
Identifiers: ClinVar variation 1333182 (VCV001333182.2), dbSNP rs561588576, ClinGen allele CA1929461.